The following is an entry in ClinVar:

ClinVar aggregate classification (germline): Uncertain significance (1 of 4 stars; one submission).

Conditions:
Hereditary nonpolyposis colorectal neoplasms. Identifiers: MedGen C0009405, MeSH D003123.

gnomAD v4.1: 1 of 1,611,174 alleles (0.000062%); highest among the groups gnomAD compares: Non-Finnish European, 0.000085%; no homozygotes.

Submission:

Labcorp Genetics (formerly Invitae), Labcorp
Classification: Uncertain significance for Hereditary nonpolyposis colorectal neoplasms. Last evaluated: 2025-10-28. Review status: criteria provided, single submitter. Criteria: Invitae Variant Classification Sherloc (09022015). Collection method: clinical testing. Allele origin: germline.
Comment: This sequence change replaces arginine, which is basic and polar, with leucine, which is neutral and non-polar, at codon 29 of the MSH6 protein (p.Arg29Leu). This variant is not present in population databases (gnomAD no frequency). This variant has not been reported in the literature in individuals affected with MSH6-related conditions. Invitae Evidence Modeling of protein sequence and biophysical properties (such as structural, functional, and spatial information, amino acid conservation, physicochemical variation, residue mobility, and thermodynamic stability) indicates that this missense variant is not expected to disrupt MSH6 protein function with a negative predictive value of 95%. In summary, the available evidence is currently insufficient to determine the role of this variant in disease. Therefore, it has been classified as a Variant of Uncertain Significance.

NM_000179.3(MSH6):c.86G>T (p.Arg29Leu)

Gene: MSH6 (mutS homolog 6; plus strand). Cytogenetic location: 2p16.3.
Variant type: single nucleotide variant.
Coding change: c.86G>T on transcript NM_000179.3 (MANE Select); coding-DNA position 86, G replaced by T.
Protein change: p.Arg29Leu; replaces arginine 29 with leucine.
Molecular consequence: missense variant. On other transcripts: 5 prime UTR variant (7), non-coding transcript variant (5), intron variant (5).
Genome position (GRCh38, 1-based): chr2:47,783,319, G>T. VCF-style: chr2-47783319-G-T. GRCh37 (hg19) VCF-style: chr2-48010458-G-T.
Other names: c.86G>T, p.Arg29Leu (NM_001281492.2, NM_001406795.1, NM_001406796.1 and 9 more transcripts); c.-651G>T (NM_001281493.2, NM_001406811.1); c.-243G>T (NM_001406799.1); c.31G>T, p.Ala11Ser (NM_001406804.1); c.-843G>T (NM_001406807.1); c.-498G>T (NM_001406812.1); c.-909G>T (NM_001406814.1); c.-454G>T (NM_001406816.1); and 3 more; short protein forms A11S, R29L.
Identifiers: ClinVar variation 4811196 (VCV004811196.1).